The following is an entry in ClinVar:

ClinVar aggregate classification (germline): Uncertain significance (1 of 4 stars; one submission).

Submission:

Labcorp Genetics (formerly Invitae), Labcorp
Classification: Uncertain significance. Last evaluated: 2025-02-25. Review status: criteria provided, single submitter. Criteria: Invitae Variant Classification Sherloc (09022015). Collection method: clinical testing. Allele origin: germline.
Comment: This sequence change replaces proline, which is neutral and non-polar, with serine, which is neutral and polar, at codon 80 of the TXN2 protein (p.Pro80Ser). This variant is not present in population databases (gnomAD no frequency). This variant has not been reported in the literature in individuals affected with TXN2-related conditions. ClinVar contains an entry for this variant (Variation ID: 1362362). An algorithm developed to predict the effect of missense changes on protein structure and function (PolyPhen-2) suggests that this variant is likely to be disruptive. In summary, the available evidence is currently insufficient to determine the role of this variant in disease. Therefore, it has been classified as a Variant of Uncertain Significance.

NM_012473.4(TXN2):c.238C>T (p.Pro80Ser)

Gene: TXN2 (thioredoxin 2; minus strand). Cytogenetic location: 22q12.3.
Variant type: single nucleotide variant.
Coding change: c.238C>T on transcript NM_012473.4 (MANE Select); coding-DNA position 238, C replaced by T.
Protein change: p.Pro80Ser; replaces proline 80 with serine.
Molecular consequence: missense variant.
Genome position (GRCh38, 1-based): chr22:36,480,600, G>A on the plus strand (C>T on the coding strand, the complement: TXN2 is on the minus strand). VCF-style: chr22-36480600-G-A. GRCh37 (hg19) VCF-style: chr22-36876647-G-A.
Other names: short protein forms P80S.
Identifiers: ClinVar variation 1362362 (VCV001362362.8), dbSNP rs2145828624, ClinGen allele CA411371361.